The following is an entry in ClinVar:

NM_001035.3(RYR2):c.13496_13501del (p.Phe4499_Asn4501delinsTyr)

Gene: RYR2 (ryanodine receptor 2; plus strand). Cytogenetic location: 1q43.
Variant type: Deletion.
Coding change: c.13496_13501del on transcript NM_001035.3 (MANE Select); coding-DNA positions 13496 to 13501, 6 bases deleted (TTTACA; older notation c.13496_13501delTTTACA).
Protein change: p.Phe4499_Asn4501delinsTyr.
Molecular consequence: inframe indel.
Genome position (GRCh38, 1-based): chr1:237,791,448-237,791,453, TTTACA deleted. VCF-style (leftmost placement, unchanged base first): chr1-237791447-TTTTACA-T. GRCh37 (hg19) VCF-style: chr1-237954747-TTTTACA-T.
Identifiers: ClinVar variation 1061504 (VCV001061504.10), dbSNP rs2149379033, ClinGen allele CA2499214610.

ClinVar aggregate classification (germline): Uncertain significance (1 of 4 stars; one submission).

Conditions:
Catecholaminergic polymorphic ventricular tachycardia 1. Also called: VENTRICULAR TACHYCARDIA, CATECHOLAMINERGIC POLYMORPHIC, 1, WITH OR WITHOUT ATRIAL DYSFUNCTION AND/OR DILATED CARDIOMYOPATHY; RYR2-Related Catecholaminergic Polymorphic Ventricular Tachycardia; VENTRICULAR TACHYCARDIA, STRESS-INDUCED POLYMORPHIC 1. Identifiers: Orphanet 3286, MedGen C1631597, MONDO:0011484, OMIM 604772.

Submission:

Labcorp Genetics (formerly Invitae), Labcorp
Classification: Uncertain significance for Catecholaminergic polymorphic ventricular tachycardia 1. Last evaluated: 2020-03-14. Review status: criteria provided, single submitter. Criteria: Invitae Variant Classification Sherloc (09022015). Collection method: clinical testing. Allele origin: germline.
Comment: This variant, c.13496_13501del, is a complex sequence change that results in the deletion of 3 and insertion of 1 amino acid(s) in the RYR2 protein (p.Phe4499_Asn4501delinsTyr). This variant is not present in population databases (ExAC no frequency). This variant has not been reported in the literature in individuals with RYR2-related conditions. Experimental studies and prediction algorithms are not available or were not evaluated, and the functional significance of this variant is currently unknown. In summary, the available evidence is currently insufficient to determine the role of this variant in disease. Therefore, it has been classified as a Variant of Uncertain Significance.